The following is an entry in ClinVar:

NM_001003722.2(GLE1):c.1194dup (p.Gln399fs)

Gene: GLE1 (GLE1 RNA export mediator; plus strand). Cytogenetic location: 9q34.11.
Variant type: Duplication.
Coding change: c.1194dup on transcript NM_001003722.2 (MANE Select); coding-DNA position 1194, one base duplicated (G; older notation c.1194dupG).
Protein change: p.Gln399fs; shifts the reading frame from glutamine 399.
Molecular consequence: frameshift variant.
Genome position (GRCh38, 1-based): chr9:128,527,243, G duplicated. VCF-style (leftmost placement, unchanged base first): chr9-128527242-T-TG. GRCh37 (hg19) VCF-style: chr9-131289521-T-TG.
Other names: c.1194dup, p.Gln399fs (NM_001411013.1, NM_001499.2); c.1194dupG (NM_001003722.1); short protein forms Q399fs.
Identifiers: ClinVar variation 2637276 (VCV002637276.1), dbSNP rs1156305904, ClinGen allele CA860263693.
Genomic context (GRCh38, chr9:128,527,242, plus strand): 5'-TCCAGGTGAAGGTACAAGACATTACAATGCAGTGGTACCAGCAGCTGCAGGATGCTTCCA[T>TG]GCAGTGTGTGTTGACCTTTGAGGGCCTGACCAACAGCAAGGACAGTCAGGTAGGGGAGAG-3'

ClinVar aggregate classification (germline): Likely pathogenic (1 of 4 stars; one submission).

Conditions:
GLE1-related disorder. Also called: GLE1-related condition; GLE1-related disorders.

Allele frequency attached by ClinVar (database versions not stated): TOPMed below 0.00001; gnomAD 0.00001.

Submission:

PreventionGenetics, part of Exact Sciences
Classification: Likely pathogenic for GLE1-related condition. Last evaluated: 2022-10-21. Review status: criteria provided, single submitter. Criteria: ACMG Guidelines, 2015. Collection method: clinical testing. Allele origin: germline.
Comment: The GLE1 c.1194dupG variant is predicted to result in a frameshift and premature protein termination (p.Gln399Alafs*7). To our knowledge, this variant has not been reported in the literature or in a large population database, indicating this variant is rare. Frameshift variants in GLE1 are expected to be pathogenic. This variant is interpreted as likely pathogenic.